The following is an entry in ClinVar:

NM_003049.4(SLC10A1):c.575T>G (p.Met192Arg)

Gene: SLC10A1 (solute carrier family 10 member 1; minus strand). Cytogenetic location: 14q24.1.
Variant type: single nucleotide variant.
Coding change: c.575T>G on transcript NM_003049.4 (MANE Select); coding-DNA position 575, T replaced by G.
Protein change: p.Met192Arg; replaces methionine 192 with arginine.
Molecular consequence: missense variant.
Genome position (GRCh38, 1-based): chr14:69,779,353, A>C on the plus strand (T>G on the coding strand, the complement: SLC10A1 is on the minus strand). VCF-style: chr14-69779353-A-C. GRCh37 (hg19) VCF-style: chr14-70246070-A-C.
Other names: c.575T>G (NM_003049.3); short protein forms M192R.
Identifiers: ClinVar variation 500856 (VCV000500856.7), dbSNP rs369121968, ClinGen allele CA7246089.

ClinVar aggregate classification (germline): Uncertain significance. Review status: criteria provided, multiple submitters, no conflicts (2 of 4 stars). 3 submissions from 3 submitters: Uncertain significance (2). 1 of the submissions does not count toward it. Last evaluated 2025-09-10.

Conditions:
SLC10A1-related disorder. Also called: SLC10A1-related condition.

Allele frequency attached by ClinVar (database versions not stated): ExAC 0.00007; ESP Exome Variant Server 0.00008; gnomAD exomes 0.00009; gnomAD 0.00011; TOPMed 0.00015.

Submissions (3):

Ambry Genetics
Classification: Uncertain significance. Last evaluated: 2025-09-10. Review status: criteria provided, single submitter. Criteria: Ambry Variant Classification Scheme 2023. Collection method: clinical testing. Allele origin: germline.

Eurofins Ntd Llc (ga)
Classification: Uncertain significance. Last evaluated: 2018-06-11. Review status: criteria provided, single submitter. Criteria: EGL ClinVar v180209 classification definitions. Collection method: clinical testing. Allele origin: germline. Observed: 2 variant alleles, 2 heterozygotes.

PreventionGenetics, part of Exact Sciences
Classification: Uncertain significance for SLC10A1-related condition. Last evaluated: 2024-05-01. Review status: no assertion criteria provided. Collection method: clinical testing. Allele origin: germline. Not counted in ClinVar's aggregate classification.
Comment: The SLC10A1 c.575T>G variant is predicted to result in the amino acid substitution p.Met192Arg. To our knowledge, this variant has not been reported in the literature. This variant is reported in 0.051% of alleles in individuals of Latino descent in gnomAD. At this time, the clinical significance of this variant is uncertain due to the absence of conclusive functional and genetic evidence.